The following is an entry in ClinVar:

NM_213655.5(WNK1):c.2163G>A (p.Ser721=)

Gene: WNK1 (WNK lysine deficient protein kinase 1; plus strand). Cytogenetic location: 12p13.33.
Variant type: single nucleotide variant.
Coding change: c.2163G>A on transcript NM_213655.5 (MANE Plus Clinical); coding-DNA position 2163, G replaced by A.
Protein change: p.Ser721=; no amino-acid change (serine 721 retained).
Molecular consequence: synonymous variant. On other transcripts: intron variant (3).
Genome position (GRCh38, 1-based): chr12:865,133, G>A. VCF-style: chr12-865133-G-A. GRCh37 (hg19) VCF-style: chr12-974299-G-A.
Other names: c.2140-2733G>A (NM_001184985.2); c.2139+2863G>A (NM_018979.4, NM_014823.3); c.2163G>A (NM_213655.4).
Identifiers: ClinVar variation 4782614 (VCV004782614.2).

ClinVar aggregate classification (germline): Likely benign. Review status: criteria provided, multiple submitters, no conflicts (2 of 4 stars). 2 submissions from 2 submitters: Likely benign (2). Last evaluated 2025-11-25.

Conditions:
Neuropathy, hereditary sensory and autonomic, type 2A (HSAN2A). Also called: WNK1-Related HSAN2 (HSAN2A); HSAN IIA; ACROOSTEOLYSIS, GIACCAI TYPE; ACROOSTEOLYSIS, NEUROGENIC; MORVAN DISEASE; NEUROPATHY, CONGENITAL SENSORY. Identifiers: Orphanet 970, MedGen C2752089, MONDO:0024309, OMIM 201300.
Pseudohypoaldosteronism type 2C (PHA2C). Also called: Pseudohypoaldosteronism Type IIC. Identifiers: Orphanet 757, Orphanet 88940, MedGen C1840391, MONDO:0013778, OMIM 614492.
WNK1-related disorder. Also called: WNK1-related condition.

gnomAD v4.1: 23 of 1,515,510 alleles (0.0015%); highest among the groups gnomAD compares: East Asian, 0.0049%; no homozygotes.

Submissions (2):

PreventionGenetics, part of Exact Sciences
Classification: Likely benign for WNK1-related condition. Last evaluated: 2025-11-25. Review status: criteria provided, single submitter. Criteria: ACMG Guidelines, 2015. Collection method: clinical testing. Allele origin: germline.
Comment: This variant is classified as likely benign based on ACMG/AMP sequence variant interpretation guidelines (Richards et al. 2015 PMID: 25741868, with internal and published modifications).

Labcorp Genetics (formerly Invitae), Labcorp
Classification: Likely benign for Neuropathy, hereditary sensory and autonomic, type 2A; Pseudohypoaldosteronism type 2C. Last evaluated: 2025-06-24. Review status: criteria provided, single submitter. Criteria: Invitae Variant Classification Sherloc (09022015). Collection method: clinical testing. Allele origin: germline.